The following is an entry in ClinVar:

NM_000321.3(RB1):c.2221C>T (p.Arg741Cys)

Gene: RB1 (RB transcriptional corepressor 1; plus strand). Cytogenetic location: 13q14.2.
Variant type: single nucleotide variant.
Coding change: c.2221C>T on transcript NM_000321.3 (MANE Select); coding-DNA position 2221, C replaced by T.
Protein change: p.Arg741Cys; replaces arginine 741 with cysteine.
Molecular consequence: missense variant.
Genome position (GRCh38, 1-based): chr13:48,465,007, C>T. VCF-style: chr13-48465007-C-T. GRCh37 (hg19) VCF-style: chr13-49039143-C-T.
Other names: short protein forms R741C.
Identifiers: ClinVar variation 527923 (VCV000527923.20), dbSNP rs529366765, ClinGen allele CA034862.
Genomic context (GRCh38, chr13:48,465,007, plus strand): 5'-AGTAAATTTTACTTTTTTTTTTTTTTTTTTTTTTTTACTGTTCTTCCTCAGACATTCAAA[C>T]GTGTTTTGATCAAAGAAGAGGAGTATGATTCTATTATAGTATTCTATAACTCGGTCTTCA-3'
Protein context (NP_000312.2, residues 731-751): LPHAVQETFK[Arg741Cys]VLIKEEEYDS

ClinVar aggregate classification (germline): Conflicting classifications of pathogenicity. Review status: criteria provided, conflicting classifications (1 of 4 stars). 5 submissions from 5 submitters: Uncertain significance (1); Likely benign (4). Last evaluated 2026-03-05.

Conditions:
Hereditary cancer-predisposing syndrome. Also called: Tumor predisposition; Hereditary Cancer Syndrome; Neoplastic Syndromes, Hereditary; Hereditary neoplastic syndrome. Identifiers: Orphanet 140162, MedGen C0027672, MeSH D009386, MONDO:0015356.
Malignant tumor of urinary bladder. Also called: Urinary bladder cancer; Bladder cancer; Urinary Bladder Neoplasms. Identifiers: MedGen C0005684, MONDO:0001187, OMIM 109800.
Retinoblastoma (RB1). Also called: RETINOBLASTOMA, SOMATIC. Identifiers: Orphanet 790, MedGen C0035335, MeSH D012175, MONDO:0008380, OMIM 180200, HP:0009919. Disease mechanism: loss of function. Inheritance: Both sporadic and heritable forms are tested..

Allele frequency attached by ClinVar (database versions not stated): ExAC 0.00003; gnomAD 0.00004.
gnomAD v4.1: 20 of 967,298 alleles (0.0021%); highest among the groups gnomAD compares: Middle Eastern, 0.037%; no homozygotes.

Submissions (5):

Ambry Genetics
Classification: Likely benign for Hereditary cancer-predisposing syndrome. Last evaluated: 2026-03-05. Review status: criteria provided, single submitter. Criteria: Ambry Variant Classification Scheme 2023. Collection method: clinical testing. Allele origin: germline.

Labcorp Genetics (formerly Invitae), Labcorp
Classification: Likely benign for Retinoblastoma. Last evaluated: 2026-01-19. Review status: criteria provided, single submitter. Criteria: Invitae Variant Classification Sherloc (09022015). Collection method: clinical testing. Allele origin: germline.

Baylor Genetics
Classification: Uncertain significance for Malignant tumor of urinary bladder. Last evaluated: 2023-10-16. Review status: criteria provided, single submitter. Criteria: ACMG Guidelines, 2015. Collection method: clinical testing. Allele origin: unknown.

All of Us Research Program, National Institutes of Health
Classification: Likely benign for Retinoblastoma. Last evaluated: 2023-02-24. Review status: criteria provided, single submitter. Criteria: ACMG Guidelines, 2015. Collection method: clinical testing. Allele origin: germline. Inheritance: Autosomal dominant inheritance. Observed: 1 variant allele, 1 heterozygote.
Comment: This study involves interpretation of variants in research participants for the purpose of population health screening. Participant phenotype was not available at the time of variant classification. Additional details can be found in publication PMID: 35346344, PMCID: PMC8962531

Color Diagnostics, LLC DBA Color Health
Classification: Likely benign for Retinoblastoma. Last evaluated: 2022-05-03. Review status: criteria provided, single submitter. Criteria: ACMG Guidelines, 2015. Collection method: clinical testing. Allele origin: germline.